The following is an entry in ClinVar:

NM_004656.4(BAP1):c.1213G>A (p.Glu405Lys)

Gene: BAP1 (BRCA1 associated deubiquitinase 1; minus strand). Cytogenetic location: 3p21.1.
Variant type: single nucleotide variant.
Coding change: c.1213G>A on transcript NM_004656.4 (MANE Select); coding-DNA position 1213, G replaced by A.
Protein change: p.Glu405Lys; replaces glutamic acid 405 with lysine.
Molecular consequence: missense variant.
Genome position (GRCh38, 1-based): chr3:52,404,490, C>T on the plus strand (G>A on the coding strand, the complement: BAP1 is on the minus strand). VCF-style: chr3-52404490-C-T. GRCh37 (hg19) VCF-style: chr3-52438506-C-T.
Other names: short protein forms E405K.
Identifiers: ClinVar variation 851038 (VCV000851038.11), dbSNP rs1705082679, ClinGen allele CA353102920.

ClinVar aggregate classification (germline): Conflicting classifications of pathogenicity. Review status: criteria provided, conflicting classifications (1 of 4 stars). 4 submissions from 4 submitters: Uncertain significance (3); Benign (1). Last evaluated 2025-10-23.

Conditions:
Hereditary cancer-predisposing syndrome. Also called: Tumor predisposition; Neoplastic Syndromes, Hereditary; Hereditary neoplastic syndrome; Hereditary Cancer Syndrome. Identifiers: Orphanet 140162, MedGen C0027672, MeSH D009386, MONDO:0015356.
BAP1-related tumor predisposition syndrome (TPDS1). Also called: COMMON Syndrome; Tumor susceptibility linked to germline BAP1 mutations; TUMOR PREDISPOSITION SYNDROME 1; BAP1 tumor predisposition syndrome. Identifiers: Orphanet 289539, MedGen C3280492, MONDO:0013692, OMIM 614327.

Allele frequency attached by ClinVar (database versions not stated): gnomAD exomes below 0.00001; TOPMed below 0.00001; gnomAD 0.00001.
gnomAD v4.1: 6 of 1,614,072 alleles (0.00037%); highest among the groups gnomAD compares: South Asian, 0.0011%; no homozygotes.

Submissions (4):

Labcorp Genetics (formerly Invitae), Labcorp
Classification: Uncertain significance for BAP1-related tumor predisposition syndrome. Last evaluated: 2025-10-23. Review status: criteria provided, single submitter. Criteria: Invitae Variant Classification Sherloc (09022015). Collection method: clinical testing. Allele origin: germline.
Comment: This sequence change replaces glutamic acid, which is acidic and polar, with lysine, which is basic and polar, at codon 405 of the BAP1 protein (p.Glu405Lys). This variant is not present in population databases (gnomAD no frequency). This variant has not been reported in the literature in individuals affected with BAP1-related conditions. ClinVar contains an entry for this variant (Variation ID: 851038). Invitae Evidence Modeling of protein sequence and biophysical properties (such as structural, functional, and spatial information, amino acid conservation, physicochemical variation, residue mobility, and thermodynamic stability) indicates that this missense variant is not expected to disrupt BAP1 protein function with a negative predictive value of 80%. In summary, the available evidence is currently insufficient to determine the role of this variant in disease. Therefore, it has been classified as a Variant of Uncertain Significance.

Ambry Genetics
Classification: Benign for Hereditary cancer-predisposing syndrome. Last evaluated: 2025-06-16. Review status: criteria provided, single submitter. Criteria: Ambry Variant Classification Scheme 2023. Collection method: clinical testing. Allele origin: germline.

Color Diagnostics, LLC DBA Color Health
Classification: Uncertain significance for Hereditary cancer-predisposing syndrome. Last evaluated: 2023-05-17. Review status: criteria provided, single submitter. Criteria: ACMG Guidelines, 2015. Collection method: clinical testing. Allele origin: germline.
Comment: This missense variant replaces glutamic acid with lysine at codon 405 of the BAP1 protein. Computational prediction suggests that this variant may not impact protein structure and function (internally defined REVEL score threshold <= 0.5, PMID: 27666373). To our knowledge, functional studies have not been reported for this variant. This variant has not been reported in individuals affected with BAP1-related disorders in the literature. This variant has not been identified in the general population by the Genome Aggregation Database (gnomAD). The available evidence is insufficient to determine the role of this variant in disease conclusively. Therefore, this variant is classified as a Variant of Uncertain Significance.

Sema4
Classification: Uncertain significance for Hereditary cancer-predisposing syndrome. Last evaluated: 2021-09-01. Review status: criteria provided, single submitter. Criteria: Sema4 Curation Guidelines. Collection method: curation. Allele origin: germline.
Comment: The BAP1 c.1213G>A (p.E405K) variant has not been reported in the literature to our knowledge. This variant is not reported in the population database Genome Aggregation Database (PMID: 32461654). The variant has been reported in ClinVar (Variation ID: 851038). Functional studies have not been performed and in silico predictions of the variant's effect on protein function are inconclusive. The evidence is insufficient to meet ACMG/AMP criteria for classifying the variant as benign or pathogenic. Thus, the clinical significance of this variant is currently uncertain.